The following is an entry in ClinVar:

ClinVar aggregate classification (germline): Uncertain significance (1 of 4 stars; one submission).

Allele frequency attached by ClinVar (database versions not stated): ExAC 0.00001; 1000 Genomes Project 30x 0.00016; 1000 Genomes Project 0.00020.

Submission:

Centre of Medical Genetics, University Hospital Muenster
Classification: Uncertain significance. Last evaluated: 2022-08-18. Review status: criteria provided, single submitter. Criteria: ACMG Guidelines, 2015. Collection method: clinical testing. Allele origin: unknown. Affected: yes. Observed: 1 variant allele, 1 homozygote.
Comment: ACMG categories: PM2,PP3

NM_003235.5(TG):c.2549T>A (p.Leu850Gln)

Gene: TG (thyroglobulin; plus strand). Cytogenetic location: 8q24.22.
Variant type: single nucleotide variant.
Coding change: c.2549T>A on transcript NM_003235.5 (MANE Select); coding-DNA position 2549, T replaced by A.
Protein change: p.Leu850Gln; replaces leucine 850 with glutamine.
Molecular consequence: missense variant.
Genome position (GRCh38, 1-based): chr8:132,888,356, T>A. VCF-style: chr8-132888356-T-A. GRCh37 (hg19) VCF-style: chr8-133900601-T-A.
Other names: short protein forms L850Q.
Identifiers: ClinVar variation 1708411 (VCV001708411.3), dbSNP rs114900396, ClinGen allele CA4883428.